The following is an entry in ClinVar:

ClinVar aggregate classification (germline): Uncertain significance (1 of 4 stars; one submission).

Conditions:
Retinitis pigmentosa 71 (RP71). Identifiers: Orphanet 791, MedGen C4225342, MONDO:0014618, OMIM 616394.
Short-rib thoracic dysplasia 10 with or without polydactyly (SRTD10). Identifiers: Orphanet 474, MedGen C3810175, MONDO:0014284, OMIM 615630.

Submission:

Labcorp Genetics (formerly Invitae), Labcorp
Classification: Uncertain significance for Retinitis pigmentosa 71; Short-rib thoracic dysplasia 10 with or without polydactyly. Last evaluated: 2022-04-18. Review status: criteria provided, single submitter. Criteria: Invitae Variant Classification Sherloc (09022015). Collection method: clinical testing. Allele origin: germline.
Comment: This sequence change replaces aspartic acid, which is acidic and polar, with asparagine, which is neutral and polar, at codon 1244 of the IFT172 protein (p.Asp1244Asn). This variant is not present in population databases (gnomAD no frequency). This variant has not been reported in the literature in individuals affected with IFT172-related conditions. Algorithms developed to predict the effect of missense changes on protein structure and function are either unavailable or do not agree on the potential impact of this missense change (SIFT: "Deleterious"; PolyPhen-2: "Benign"; Align-GVGD: "Class C0"). In summary, the available evidence is currently insufficient to determine the role of this variant in disease. Therefore, it has been classified as a Variant of Uncertain Significance.

NM_015662.3(IFT172):c.3730G>A (p.Asp1244Asn)

Genes: IFT172 (intraflagellar transport 172; minus strand), LOC126806173 (BRD4-independent group 4 enhancer GRCh37_chr2:27676057-27677256; plus strand). Cytogenetic location: 2p23.3.
Variant type: single nucleotide variant.
Coding change: c.3730G>A on transcript NM_015662.3 (MANE Select); coding-DNA position 3730, G replaced by A.
Protein change: p.Asp1244Asn; replaces aspartic acid 1244 with asparagine.
Molecular consequence: missense variant.
Genome position (GRCh38, 1-based): chr2:27,453,721, C>T on the plus strand (G>A on the coding strand, the complement: IFT172 is on the minus strand). VCF-style: chr2-27453721-C-T. GRCh37 (hg19) VCF-style: chr2-27676588-C-T.
Other names: c.3664G>A, p.Asp1222Asn (NM_001410739.1); short protein forms D1244N, D1222N.
Identifiers: ClinVar variation 2127625 (VCV002127625.1), dbSNP rs1186609381, ClinGen allele CA346378058.
Genomic context (GRCh38, chr2:27,453,721, plus strand): 5'-ATTCTTCCTGCAGAGCCTCCAGCTGGCTGGGCACATAGTCCTTGCAGATGCGCAGAGCGT[C>T]ACTCCATAATCCAGCCTCCTGCTCAGATTTCCAGGTATCAAGAGGGCAGAGGCAGGCCTG-3'
Protein context (NP_056477.1, residues 1234-1254): NYYKEAGLWS[Asp1244Asn]ALRICKDYVP